The following is an entry in ClinVar:

NM_015057.5(MYCBP2):c.6925A>T (p.Lys2309Ter)

Gene: MYCBP2 (MYC binding protein 2; minus strand). Cytogenetic location: 13q22.3.
Variant type: single nucleotide variant.
Coding change: c.6925A>T on transcript NM_015057.5 (MANE Select); coding-DNA position 6925, A replaced by T.
Protein change: p.Lys2309Ter; replaces lysine 2309 with a stop codon.
Molecular consequence: nonsense.
Genome position (GRCh38, 1-based): chr13:77,150,940, T>A on the plus strand (A>T on the coding strand, the complement: MYCBP2 is on the minus strand). VCF-style: chr13-77150940-T-A. GRCh37 (hg19) VCF-style: chr13-77725075-T-A.
Other names: short protein forms K2309*.
Identifiers: ClinVar variation 2504340 (VCV002504340.2), dbSNP rs763507470, ClinGen allele CA388408508.

ClinVar aggregate classification (germline): Uncertain significance. Review status: criteria provided, multiple submitters, no conflicts (2 of 4 stars). 2 submissions from 2 submitters: Uncertain significance (2). Last evaluated 2025-01-13.

Conditions:
Inborn genetic diseases. Identifiers: MedGen C0950123, MeSH D030342.

Submissions (2):

Ambry Genetics
Classification: Uncertain significance for Inborn genetic diseases. Last evaluated: 2025-01-13. Review status: criteria provided, single submitter. Criteria: Ambry Variant Classification Scheme 2023. Collection method: clinical testing. Allele origin: germline.
Comment: The c.6925A>T (p.K2309*) alteration, located in exon 47 (coding exon 47) of the MYCBP2 gene, consists of a A to T substitution at nucleotide position 6925. This changes the amino acid from a lysine (K) to a stop codon at amino acid position 2309. This alteration is expected to result in premature protein truncation or nonsense-mediated mRNA decay. However, loss of function of MYCBP2 has not been established as a mechanism of disease. This variant was not reported in population-based cohorts in the Genome Aggregation Database (gnomAD). Based on insufficient or conflicting evidence, the clinical significance of this alteration remains unclear.

GeneDx
Classification: Uncertain significance. Last evaluated: 2022-11-30. Review status: criteria provided, single submitter. Criteria: GeneDx Variant Classification Process June 2021. Collection method: clinical testing. Allele origin: germline. Affected: yes.
Comment: Nonsense variant predicted to result in protein truncation or nonsense mediated decay in a gene or region of a gene for which loss of function is not a well-established mechanism of disease; Not observed at significant frequency in large population cohorts (gnomAD); Has not been previously published as pathogenic or benign to our knowledge